The following is an entry in ClinVar:

NM_020982.4(CLDN9):c.158C>A (p.Ser53Tyr)

Gene: CLDN9 (claudin 9; plus strand). Cytogenetic location: 16p13.3.
Variant type: single nucleotide variant.
Coding change: c.158C>A on transcript NM_020982.4 (MANE Select); coding-DNA position 158, C replaced by A.
Protein change: p.Ser53Tyr; replaces serine 53 with tyrosine.
Molecular consequence: missense variant.
Genome position (GRCh38, 1-based): chr16:3,013,520, C>A. VCF-style: chr16-3013520-C-A. GRCh37 (hg19) VCF-style: chr16-3063521-C-A.
Other names: short protein forms S53Y.
Identifiers: ClinVar variation 3354242 (VCV003354242.1).

ClinVar aggregate classification (germline): Likely benign (0 of 4 stars; one submission).

Conditions:
CLDN9-related disorder. Also called: CLDN9-related condition.

Submission:

PreventionGenetics, part of Exact Sciences
Classification: Likely benign for CLDN9-related condition. Last evaluated: 2024-06-26. Review status: no assertion criteria provided. Collection method: clinical testing. Allele origin: germline.
Comment: This variant is classified as likely benign based on ACMG/AMP sequence variant interpretation guidelines (Richards et al. 2015 PMID: 25741868, with internal and published modifications).